The following is an entry in ClinVar:

ClinVar aggregate classification (germline): Uncertain significance. Review status: criteria provided, multiple submitters, no conflicts (2 of 4 stars). 2 submissions from 2 submitters: Uncertain significance (2). Last evaluated 2024-10-24.

Allele frequency attached by ClinVar (database versions not stated): gnomAD exomes below 0.00001.
gnomAD v4.1: 17 of 1,614,144 alleles (0.0011%); highest among the groups gnomAD compares: Non-Finnish European, 0.0012%; no homozygotes.

Submissions (2):

Labcorp Genetics (formerly Invitae), Labcorp
Classification: Uncertain significance. Last evaluated: 2024-10-24. Review status: criteria provided, single submitter. Criteria: Invitae Variant Classification Sherloc (09022015). Collection method: clinical testing. Allele origin: germline.
Comment: This sequence change replaces glutamic acid, which is acidic and polar, with aspartic acid, which is acidic and polar, at codon 733 of the COL4A1 protein (p.Glu733Asp). This variant is present in population databases (no rsID available, gnomAD no frequency). This variant has not been reported in the literature in individuals affected with COL4A1-related conditions. ClinVar contains an entry for this variant (Variation ID: 1370871). Invitae Evidence Modeling of protein sequence and biophysical properties (such as structural, functional, and spatial information, amino acid conservation, physicochemical variation, residue mobility, and thermodynamic stability) indicates that this missense variant is not expected to disrupt COL4A1 protein function with a negative predictive value of 95%. In summary, the available evidence is currently insufficient to determine the role of this variant in disease. Therefore, it has been classified as a Variant of Uncertain Significance.

Blueprint Genetics
Classification: Uncertain significance. Last evaluated: 2021-06-01. Review status: criteria provided, single submitter. Criteria: ACMG Guidelines, 2015. Collection method: clinical testing. Allele origin: germline.

NM_001845.6(COL4A1):c.2199G>T (p.Glu733Asp)

Gene: COL4A1 (collagen type IV alpha 1 chain; minus strand). Cytogenetic location: 13q34.
Variant type: single nucleotide variant.
Coding change: c.2199G>T on transcript NM_001845.6 (MANE Select); coding-DNA position 2199, G replaced by T.
Protein change: p.Glu733Asp; replaces glutamic acid 733 with aspartic acid.
Molecular consequence: missense variant.
Genome position (GRCh38, 1-based): chr13:110,179,416, C>A on the plus strand (G>T on the coding strand, the complement: COL4A1 is on the minus strand). VCF-style: chr13-110179416-C-A. GRCh37 (hg19) VCF-style: chr13-110831763-C-A.
Other names: short protein forms E733D.
Identifiers: ClinVar variation 1370871 (VCV001370871.7), dbSNP rs371514041, ClinGen allele CA388668807.